The following is an entry in ClinVar:

ClinVar aggregate classification (germline): Uncertain significance (1 of 4 stars; one submission).

Conditions:
Familial meningioma. Also called: Meningioma, familial, susceptibility to. Identifiers: Orphanet 263662, MedGen C3551915, MONDO:0011789, OMIM 607174.

Submission:

Labcorp Genetics (formerly Invitae), Labcorp
Classification: Uncertain significance for Familial meningioma. Last evaluated: 2022-07-19. Review status: criteria provided, single submitter. Criteria: Invitae Variant Classification Sherloc (09022015). Collection method: clinical testing. Allele origin: germline.
Comment: This variant has not been reported in the literature in individuals affected with SMARCE1-related conditions. This variant is not present in population databases (gnomAD no frequency). This sequence change replaces serine, which is neutral and polar, with leucine, which is neutral and non-polar, at codon 265 of the SMARCE1 protein (p.Ser265Leu). Algorithms developed to predict the effect of missense changes on protein structure and function are either unavailable or do not agree on the potential impact of this missense change (SIFT: "Deleterious"; PolyPhen-2: "Possibly Damaging"; Align-GVGD: "Class C0"). In summary, the available evidence is currently insufficient to determine the role of this variant in disease. Therefore, it has been classified as a Variant of Uncertain Significance.

NM_003079.5(SMARCE1):c.794C>T (p.Ser265Leu)

Gene: SMARCE1 (SWI/SNF related BAF chromatin remodeling complex subunit E1; minus strand). Cytogenetic location: 17q21.2.
Variant type: single nucleotide variant.
Coding change: c.794C>T on transcript NM_003079.5 (MANE Select); coding-DNA position 794, C replaced by T.
Protein change: p.Ser265Leu; replaces serine 265 with leucine.
Molecular consequence: missense variant.
Genome position (GRCh38, 1-based): chr17:40,631,614, G>A on the plus strand (C>T on the coding strand, the complement: SMARCE1 is on the minus strand). VCF-style: chr17-40631614-G-A. GRCh37 (hg19) VCF-style: chr17-38787866-G-A.
Other names: short protein forms S265L.
Identifiers: ClinVar variation 2011479 (VCV002011479.4), dbSNP rs2508597305, ClinGen allele CA399364216.